The following is an entry in ClinVar:

NM_016729.3(FOLR1):c.439C>T (p.Arg147Cys)

Genes: FOLR1 (folate receptor alpha; plus strand), FOLR1-AS1 (FOLR1 antisense RNA 1; minus strand). Cytogenetic location: 11q13.4.
Variant type: single nucleotide variant.
Coding change: c.439C>T on transcript NM_016729.3 (MANE Select); coding-DNA position 439, C replaced by T.
Protein change: p.Arg147Cys; replaces arginine 147 with cysteine.
Molecular consequence: missense variant.
Genome position (GRCh38, 1-based): chr11:72,195,693, C>T. VCF-style: chr11-72195693-C-T. GRCh37 (hg19) VCF-style: chr11-71906737-C-T.
Other names: c.439C>T, p.Arg147Cys (NM_000802.3, NM_016724.3, NM_016725.3); short protein forms R147C.
Identifiers: ClinVar variation 1043588 (VCV001043588.8), dbSNP rs1222897077, ClinGen allele CA381733464.

ClinVar aggregate classification (germline): Uncertain significance. Review status: criteria provided, multiple submitters, no conflicts (2 of 4 stars). 2 submissions from 2 submitters: Uncertain significance (2). Last evaluated 2022-10-13.

Conditions:
Cerebral folate transport deficiency. Also called: NEURODEGENERATION DUE TO CEREBRAL FOLATE TRANSPORT DEFICIENCY; Neurodegenerative syndrome due to cerebral folate transport deficiency; FOLR1-Related Cerebral Folate Transport Deficiency; FOLATE RECEPTOR DEFICIENCY; Cerebral folate deficiency syndrome. Identifiers: Orphanet 217382, MedGen C2751584, MONDO:0013110, OMIM 613068. Disease mechanism: loss of function.
Inborn genetic diseases. Identifiers: MedGen C0950123, MeSH D030342.

Allele frequency attached by ClinVar (database versions not stated): gnomAD 0.00001; gnomAD exomes 0.00001; TOPMed 0.00002.
gnomAD v4.1: 15 of 1,614,040 alleles (0.00093%); highest among the groups gnomAD compares: Admixed American, 0.005%; no homozygotes.

Submissions (2):

Labcorp Genetics (formerly Invitae), Labcorp
Classification: Uncertain significance for Cerebral folate transport deficiency. Last evaluated: 2022-10-13. Review status: criteria provided, single submitter. Criteria: Invitae Variant Classification Sherloc (09022015). Collection method: clinical testing. Allele origin: germline.
Comment: This sequence change replaces arginine, which is basic and polar, with cysteine, which is neutral and slightly polar, at codon 147 of the FOLR1 protein (p.Arg147Cys). This variant is present in population databases (no rsID available, gnomAD 0.009%). This variant has not been reported in the literature in individuals affected with FOLR1-related conditions. ClinVar contains an entry for this variant (Variation ID: 1043588). Advanced modeling of protein sequence and biophysical properties (such as structural, functional, and spatial information, amino acid conservation, physicochemical variation, residue mobility, and thermodynamic stability) performed at Invitae indicates that this missense variant is not expected to disrupt FOLR1 protein function. In summary, the available evidence is currently insufficient to determine the role of this variant in disease. Therefore, it has been classified as a Variant of Uncertain Significance.

Ambry Genetics
Classification: Uncertain significance for Inborn genetic diseases. Last evaluated: 2020-01-14. Review status: criteria provided, single submitter. Criteria: Ambry Variant Classification Scheme 2023. Collection method: clinical testing. Allele origin: germline.
Comment: The p.R147C variant (also known as c.439C>T), located in coding exon 3 of the FOLR1 gene, results from a C to T substitution at nucleotide position 439. The arginine at codon 147 is replaced by cysteine, an amino acid with highly dissimilar properties. This amino acid position is poorly conserved in available vertebrate species. In addition, this alteration is predicted to be tolerated by in silico analysis. Since supporting evidence is limited at this time, the clinical significance of this alteration remains unclear.